The following is an entry in ClinVar:

ClinVar aggregate classification (germline): Pathogenic. Review status: criteria provided, multiple submitters, no conflicts (2 of 4 stars). 2 submissions from 2 submitters: Pathogenic (2). Last evaluated 2023-08-14.

Conditions:
Androgen resistance syndrome (AIS). Also called: Androgen insensitivity, complete; DIHYDROTESTOSTERONE RECEPTOR DEFICIENCY; Androgen insensitivity syndrome due to coactivator deficiency; Androgen insensitivity; TESTICULAR FEMINIZATION SYNDROME; ANDROGEN RECEPTOR DEFICIENCY. Identifiers: Orphanet 754, Orphanet 99429, MedGen C0039585, MONDO:0019154, OMIM 300068. Disease mechanism: loss of function.
Kennedy disease (SMAX1). Also called: KENNEDY SPINAL AND BULBAR MUSCULAR ATROPHY; SPINAL AND BULBAR MUSCULAR ATROPHY, X-LINKED 1; Spinal and Bulbar Muscular Atrophy. Identifiers: Orphanet 481, MedGen C1839259, MONDO:0010735, OMIM 313200.

Submissions (2):

Labcorp Genetics (formerly Invitae), Labcorp
Classification: Pathogenic for Kennedy disease; Androgen resistance syndrome. Last evaluated: 2023-08-14. Review status: criteria provided, single submitter. Criteria: Invitae Variant Classification Sherloc (09022015). Collection method: clinical testing. Allele origin: germline.
Comment: This variant has been observed in individual(s) with complete androgen insensitivity syndrome (PMID: 28857053). ClinVar contains an entry for this variant (Variation ID: 548144). Studies have shown that this variant is associated with altered splicing resulting in unknown protein product impact (PMID: 28857053). For these reasons, this variant has been classified as Pathogenic. This sequence change falls in intron 6 of the AR gene. It does not directly change the encoded amino acid sequence of the AR protein. This variant is not present in population databases (gnomAD no frequency).

Institute of Reproductive and Stem Cell Engineering, Central South University
Classification: Pathogenic for Androgen resistance syndrome. Last evaluated: 2018-02-01. Review status: criteria provided, single submitter. Criteria: Submitter's publication. Collection method: clinical testing. Allele origin: inherited. Inheritance: X-linked recessive inheritance. Affected: yes and no. Observed: 3 variant alleles, 2 heterozygotes, 1 hemizygote.
Comment: To determine the functional consequences of the mutation, the resulting messenger RNA (mRNA) transcript was analyzed. Subsequent sequence analysis of the RTâ€‘PCR (reverse transcription polymerase chain reaction) products demonstrated an insertion of 5 nucleotides in the junction between exons 6 and 7 (c.2449â€‘c.2450insATCAG). The mutation generated a new splice acceptor site upstream of the original site, resulting in incorrect preâ€‘mRNA splicing. The aberrant splicing transcript resulted in the introduction of a premature stop codon, thus producing a truncated protein (823 amino acids, p.Ile817Asnfs*8)

Literature cited by the submitters: PubMed 28857053 (cited by Labcorp Genetics (formerly Invitae), Labcorp).

NM_000044.6(AR):c.2450-6C>G

Gene: AR (androgen receptor; plus strand). Cytogenetic location: Xq12.
Variant type: single nucleotide variant.
Coding change: c.2450-6C>G on transcript NM_000044.6 (MANE Select); 6 bases into the intron before coding-DNA position 2450, C replaced by G.
Molecular consequence: intron variant.
Genome position (GRCh38, 1-based): chrX:67,722,821, C>G. VCF-style: chrX-67722821-C-G. GRCh37 (hg19) VCF-style: chrX-66942663-C-G.
Other names: c.854-6C>G (NM_001011645.3).
Identifiers: ClinVar variation 548144 (VCV000548144.5), dbSNP rs754515125, ClinGen allele CA658824873.